The following is an entry in ClinVar:

NM_001349253.2(SCN11A):c.793A>T (p.Ser265Cys)

Gene: SCN11A (sodium voltage-gated channel alpha subunit 11; minus strand). Cytogenetic location: 3p22.2.
Variant type: single nucleotide variant.
Coding change: c.793A>T on transcript NM_001349253.2 (MANE Select); coding-DNA position 793, A replaced by T.
Protein change: p.Ser265Cys; replaces serine 265 with cysteine.
Molecular consequence: missense variant.
Genome position (GRCh38, 1-based): chr3:38,921,175, T>A on the plus strand (A>T on the coding strand, the complement: SCN11A is on the minus strand). VCF-style: chr3-38921175-T-A. GRCh37 (hg19) VCF-style: chr3-38962666-T-A.
Other names: c.793A>T, p.Ser265Cys (NM_014139.3); short protein forms S265C.
Identifiers: ClinVar variation 1063319 (VCV001063319.5), dbSNP rs2066045382, ClinGen allele CA352172295.
Genomic context (GRCh38, chr3:38,921,175, plus strand): 5'-AGATGCATTTCAGGTTCAGACTTCCCATGAAGAGCTGCTGACCTACCAGGGCAAAGATGC[T>A]GAGGCAAAAGAAGGTGAGGATAATCACGTTGACCAGCTTCTTCACAGAGCGTAGCAAGGC-3'
Protein context (NP_001336182.1, residues 255-275): NVIILTFFCL[Ser265Cys]IFALVGQQLF

ClinVar aggregate classification (germline): Uncertain significance (1 of 4 stars; one submission).

Conditions:
Hereditary sensory and autonomic neuropathy type 7. Also called: Neuropathy, hereditary sensory and autonomic, type VII; HSAN VII. Identifiers: Orphanet 391397, MedGen C3809882, MONDO:0014244, OMIM 615548.
Familial episodic pain syndrome with predominantly lower limb involvement. Also called: Episodic pain syndrome, familial, 3. Identifiers: Orphanet 391384, Orphanet 391392, MedGen C3809899, MONDO:0014247, OMIM 615552.

Allele frequency attached by ClinVar (database versions not stated): gnomAD exomes below 0.00001; TOPMed 0.00001.
gnomAD v4.1: 1 of 1,614,110 alleles (0.000062%); highest among the groups gnomAD compares: Non-Finnish European, 0.000085%; no homozygotes.

Submission:

Labcorp Genetics (formerly Invitae), Labcorp
Classification: Uncertain significance for Familial episodic pain syndrome with predominantly lower limb involvement; Hereditary sensory and autonomic neuropathy type 7. Last evaluated: 2020-03-26. Review status: criteria provided, single submitter. Criteria: Invitae Variant Classification Sherloc (09022015). Collection method: clinical testing. Allele origin: germline.
Comment: Algorithms developed to predict the effect of missense changes on protein structure and function output the following: SIFT: "Deleterious"; PolyPhen-2: "Benign"; Align-GVGD: "Class C65". The cysteine amino acid residue is found in multiple mammalian species, suggesting that this missense change does not adversely affect protein function. These predictions have not been confirmed by published functional studies and their clinical significance is uncertain. In summary, the available evidence is currently insufficient to determine the role of this variant in disease. Therefore, it has been classified as a Variant of Uncertain Significance. This variant has not been reported in the literature in individuals with SCN11A-related conditions. This variant is not present in population databases (ExAC no frequency). This sequence change replaces serine with cysteine at codon 265 of the SCN11A protein (p.Ser265Cys). The serine residue is highly conserved and there is a moderate physicochemical difference between serine and cysteine.